The following is an entry in ClinVar:

ClinVar aggregate classification (germline): Uncertain significance (1 of 4 stars; one submission).

Submission:

GeneDx
Classification: Uncertain significance. Last evaluated: 2022-08-09. Review status: criteria provided, single submitter. Criteria: GeneDx Variant Classification Process June 2021. Collection method: clinical testing. Allele origin: germline. Affected: yes.
Comment: Not observed at significant frequency in large population cohorts (gnomAD); In silico analysis supports that this missense variant has a deleterious effect on protein structure/function; Has not been previously published as pathogenic or benign to our knowledge

NM_001012614.2(CTBP1):c.122C>T (p.Ala41Val)

Gene: CTBP1 (C-terminal binding protein 1; minus strand). Cytogenetic location: 4p16.3.
Variant type: single nucleotide variant.
Coding change: c.122C>T on transcript NM_001012614.2 (MANE Select); coding-DNA position 122, C replaced by T.
Protein change: p.Ala41Val; replaces alanine 41 with valine.
Molecular consequence: missense variant.
Genome position (GRCh38, 1-based): chr4:1,238,223, G>A on the plus strand (C>T on the coding strand, the complement: CTBP1 is on the minus strand). VCF-style: chr4-1238223-G-A. GRCh37 (hg19) VCF-style: chr4-1232011-G-A.
Other names: c.155C>T, p.Ala52Val (NM_001328.3, NM_001377186.1); c.122C>T, p.Ala41Val (NM_001377187.1, NM_001377188.1, NM_001377189.1 and 4 more transcripts); short protein forms A41V, A52V.
Identifiers: ClinVar variation 2429628 (VCV002429628.1), dbSNP rs2535199623, ClinGen allele CA355960790.